The following is an entry in ClinVar:

ClinVar aggregate classification (germline): Uncertain significance (1 of 4 stars; one submission).

Conditions:
Hereditary diffuse gastric adenocarcinoma (HDGC). Also called: DIFFUSE GASTRIC AND LOBULAR BREAST CANCER SYNDROME. Identifiers: Orphanet 26106, MedGen C1708349, MONDO:0007648, OMIM 137215.

Allele frequency attached by ClinVar (database versions not stated): ExAC 0.00001; ESP Exome Variant Server 0.00008.

Submission:

Labcorp Genetics (formerly Invitae), Labcorp
Classification: Uncertain significance for Hereditary diffuse gastric adenocarcinoma. Last evaluated: 2024-04-09. Review status: criteria provided, single submitter. Criteria: Invitae Variant Classification Sherloc (09022015). Collection method: clinical testing. Allele origin: germline.
Comment: This sequence change replaces proline, which is neutral and non-polar, with leucine, which is neutral and non-polar, at codon 245 of the CDH1 protein (p.Pro245Leu). This variant is present in population databases (rs371612417, gnomAD 0.0009%). This variant has not been reported in the literature in individuals affected with CDH1-related conditions. ClinVar contains an entry for this variant (Variation ID: 1721517). An algorithm developed to predict the effect of missense changes on protein structure and function (PolyPhen-2) suggests that this variant is likely to be disruptive. In summary, the available evidence is currently insufficient to determine the role of this variant in disease. Therefore, it has been classified as a Variant of Uncertain Significance.

NM_004360.5(CDH1):c.734C>T (p.Pro245Leu)

Gene: CDH1 (cadherin 1; plus strand). Cytogenetic location: 16q22.1.
Variant type: single nucleotide variant.
Coding change: c.734C>T on transcript NM_004360.5 (MANE Select); coding-DNA position 734, C replaced by T.
Protein change: p.Pro245Leu; replaces proline 245 with leucine.
Molecular consequence: missense variant. On other transcripts: 5 prime UTR variant (2).
Genome position (GRCh38, 1-based): chr16:68,810,243, C>T. VCF-style: chr16-68810243-C-T. GRCh37 (hg19) VCF-style: chr16-68844146-C-T.
Other names: c.734C>T, p.Pro245Leu (NM_001317184.2); c.-882C>T (NM_001317185.2); c.-1086C>T (NM_001317186.2); short protein forms P245L.
Identifiers: ClinVar variation 1721517 (VCV001721517.6), dbSNP rs371612417, ClinGen allele CA8129927.